The following is an entry in ClinVar:

NM_005634.3(SOX3):c.797G>A (p.Gly266Asp)

Gene: SOX3 (SRY-box transcription factor 3; minus strand). Cytogenetic location: Xq27.1.
Variant type: single nucleotide variant.
Coding change: c.797G>A on transcript NM_005634.3 (MANE Select); coding-DNA position 797, G replaced by A.
Protein change: p.Gly266Asp; replaces glycine 266 with aspartic acid.
Molecular consequence: missense variant.
Genome position (GRCh38, 1-based): chrX:140,504,264, C>T on the plus strand (G>A on the coding strand, the complement: SOX3 is on the minus strand). VCF-style: chrX-140504264-C-T. GRCh37 (hg19) VCF-style: chrX-139586429-C-T.
Other names: short protein forms G266D.
Identifiers: ClinVar variation 1990644 (VCV001990644.4), dbSNP rs1314115137, ClinGen allele CA414477969.
Genomic context (GRCh38, chrX:140,504,264, plus strand): 5'-CTCGGGGGCTGCGCGTAGCCCAGCTGCTCCTGCACCAGCGAGTACGCGCCGTTGGCCCAG[C>T]CGTTCACGTGCGTGTACGTGTCCAGGCGCTGGCCCACGCCCACCGGACTGCTGGCGGCAG-3'
Protein context (NP_005625.2, residues 256-276): QRLDTYTHVN[Gly266Asp]WANGAYSLVQ

ClinVar aggregate classification (germline): Uncertain significance (1 of 4 stars; one submission).

Allele frequency attached by ClinVar (database versions not stated): gnomAD exomes below 0.00001.
gnomAD v4.1: 1 of 1,115,145 alleles (0.00009%); highest among the groups gnomAD compares: Non-Finnish European, 0.00012%; no homozygotes.

Submission:

Labcorp Genetics (formerly Invitae), Labcorp
Classification: Uncertain significance. Last evaluated: 2025-01-15. Review status: criteria provided, single submitter. Criteria: Invitae Variant Classification Sherloc (09022015). Collection method: clinical testing. Allele origin: germline.
Comment: This sequence change replaces glycine, which is neutral and non-polar, with aspartic acid, which is acidic and polar, at codon 266 of the SOX3 protein (p.Gly266Asp). This variant is not present in population databases (gnomAD no frequency). This variant has not been reported in the literature in individuals affected with SOX3-related conditions. ClinVar contains an entry for this variant (Variation ID: 1990644). Invitae Evidence Modeling of protein sequence and biophysical properties (such as structural, functional, and spatial information, amino acid conservation, physicochemical variation, residue mobility, and thermodynamic stability) indicates that this missense variant is not expected to disrupt SOX3 protein function with a negative predictive value of 80%. In summary, the available evidence is currently insufficient to determine the role of this variant in disease. Therefore, it has been classified as a Variant of Uncertain Significance.